The following is an entry in ClinVar:

ClinVar aggregate classification (germline): Uncertain significance (1 of 4 stars; one submission).

Submission:

GeneDx
Classification: Uncertain significance. Last evaluated: 2022-02-18. Review status: criteria provided, single submitter. Criteria: GeneDx Variant Classification Process June 2021. Collection method: clinical testing. Allele origin: germline. Affected: yes.
Comment: Not observed at significant frequency in large population cohorts (gnomAD); In silico analysis supports that this missense variant has a deleterious effect on protein structure/function; In silico analysis, which includes splice predictors and evolutionary conservation, suggests this variant may impact gene splicing. In the absence of RNA/functional studies, the actual effect of this sequence change is unknown.; Has not been previously published as pathogenic or benign to our knowledge

NM_005476.7(GNE):c.1538G>T (p.Trp513Leu)

Gene: GNE (glucosamine (UDP-N-acetyl)-2-epimerase/N-acetylmannosamine kinase; minus strand). Cytogenetic location: 9p13.3.
Variant type: single nucleotide variant.
Coding change: c.1538G>T on transcript NM_005476.7 (MANE Select); coding-DNA position 1538, G replaced by T.
Protein change: p.Trp513Leu; replaces tryptophan 513 with leucine.
Molecular consequence: missense variant. On other transcripts: intron variant (1).
Genome position (GRCh38, 1-based): chr9:36,222,872, C>A on the plus strand (G>T on the coding strand, the complement: GNE is on the minus strand). VCF-style: chr9-36222872-C-A. GRCh37 (hg19) VCF-style: chr9-36222869-C-A.
Other names: c.1631G>T, p.Trp544Leu (NM_001128227.3); c.1208G>T, p.Trp403Leu (NM_001190384.3); c.1361G>T, p.Trp454Leu (NM_001190388.2, NM_001374798.1); c.1385G>T, p.Trp462Leu (NM_001374797.1); c.1411+501G>T (NM_001190383.3); short protein forms W403L, W454L, W462L, W513L, W544L.
Identifiers: ClinVar variation 1702701 (VCV001702701.2), dbSNP rs2133021459, ClinGen allele CA373426404.
Genomic context (GRCh38, chr9:36,222,872, plus strand): 5'-CCCTTTCCTTGGCCAAATTTCCTTTCCGCCAGGGCAGCACAGTTGCCATCATTGTCTACC[C>A]ACACAGGGAGATGCAAAGTGTCAGAAAGGGGGGTCCTAAGGTCCACAGAGTTCCACTCTT-3'
Protein context (NP_005467.1, residues 503-523): PLSDTLHLPV[Trp513Leu]VDNDGNCAAL